The following is an entry in ClinVar:

ClinVar aggregate classification (germline): Uncertain significance (1 of 4 stars; one submission).

Submission:

GeneDx
Classification: Uncertain significance. Last evaluated: 2021-03-04. Review status: criteria provided, single submitter. Criteria: GeneDx Variant Classification Process June 2021. Collection method: clinical testing. Allele origin: germline. Affected: yes.
Comment: Not observed in large population cohorts (Lek et al., 2016); In silico analysis, which includes protein predictors and evolutionary conservation, supports a deleterious effect; Has not been previously published as pathogenic or benign to our knowledge

NM_005219.5(DIAPH1):c.658T>C (p.Cys220Arg)

Gene: DIAPH1 (diaphanous related formin 1; minus strand). Cytogenetic location: 5q31.3.
Variant type: single nucleotide variant.
Coding change: c.658T>C on transcript NM_005219.5 (MANE Select); coding-DNA position 658, T replaced by C.
Protein change: p.Cys220Arg; replaces cysteine 220 with arginine.
Molecular consequence: missense variant.
Genome position (GRCh38, 1-based): chr5:141,582,338, A>G on the plus strand (T>C on the coding strand, the complement: DIAPH1 is on the minus strand). VCF-style: chr5-141582338-A-G. GRCh37 (hg19) VCF-style: chr5-140961905-A-G.
Other names: c.631T>C, p.Cys211Arg (NM_001079812.3); c.658T>C, p.Cys220Arg (NM_001314007.2); short protein forms C211R, C220R.
Identifiers: ClinVar variation 1307397 (VCV001307397.2), dbSNP rs2154596561, ClinGen allele CA361539695.